The following is an entry in ClinVar:

ClinVar aggregate classification (germline): Uncertain significance. Review status: criteria provided, multiple submitters, no conflicts (2 of 4 stars). 3 submissions from 3 submitters: Uncertain significance (3). Last evaluated 2024-05-30.

Conditions:
Multiple epiphyseal dysplasia, Al-Gazali type. Also called: Macrocephaly with multiple epiphyseal dysplasia and distinctive facies. Identifiers: Orphanet 166024, MedGen C1846722, MONDO:0011778, OMIM 607131.
Acrocallosal syndrome (ACLS). Also called: Schinzel syndrome 1; Absence of corpus callosum with unusual facial appearance, mental deficiency, duplication of the halluces and polydactyly; HALLUX DUPLICATION, POSTAXIAL POLYDACTYLY, AND ABSENCE OF CORPUS CALLOSUM. Identifiers: Orphanet 36, MedGen C0796147, MONDO:0008708, OMIM 200990.
Hydrolethalus syndrome 2 (HLS2). Identifiers: Orphanet 2189, MedGen C3279899, MONDO:0013585, OMIM 614120.

Allele frequency attached by ClinVar (database versions not stated): gnomAD exomes 0.00001 and 0.00002; gnomAD 0.00002; TOPMed 0.00002; ExAC 0.00003.
gnomAD v4.1: 20 of 1,613,270 alleles (0.0012%); highest among the groups gnomAD compares: Middle Eastern, 0.016%; no homozygotes.

Submissions (3):

Fulgent Genetics
Classification: Uncertain significance for Acrocallosal syndrome; Multiple epiphyseal dysplasia, Al-Gazali type; Hydrolethalus syndrome 2. Last evaluated: 2024-05-30. Review status: criteria provided, single submitter. Criteria: ACMG Guidelines, 2015. Collection method: clinical testing. Allele origin: germline.

Labcorp Genetics (formerly Invitae), Labcorp
Classification: Uncertain significance for Acrocallosal syndrome. Last evaluated: 2022-04-08. Review status: criteria provided, single submitter. Criteria: Invitae Variant Classification Sherloc (09022015). Collection method: clinical testing. Allele origin: germline.
Comment: This sequence change replaces arginine, which is basic and polar, with cysteine, which is neutral and slightly polar, at codon 1279 of the KIF7 protein (p.Arg1279Cys). This variant is present in population databases (rs749221779, gnomAD 0.004%). This variant has not been reported in the literature in individuals affected with KIF7-related conditions. ClinVar contains an entry for this variant (Variation ID: 885252). Algorithms developed to predict the effect of missense changes on protein structure and function are either unavailable or do not agree on the potential impact of this missense change (SIFT: "Deleterious"; PolyPhen-2: "Probably Damaging"; Align-GVGD: "Class C0"). In summary, the available evidence is currently insufficient to determine the role of this variant in disease. Therefore, it has been classified as a Variant of Uncertain Significance.

Illumina Laboratory Services, Illumina
Classification: Uncertain significance for Acrocallosal syndrome. Last evaluated: 2018-01-13. Review status: criteria provided, single submitter. Criteria: ICSL Variant Classification Criteria 13 December 2019. Collection method: clinical testing. Allele origin: germline.

NM_198525.3(KIF7):c.3835C>T (p.Arg1279Cys)

Gene: KIF7 (kinesin family member 7; minus strand). Cytogenetic location: 15q26.1.
Variant type: single nucleotide variant.
Coding change: c.3835C>T on transcript NM_198525.3 (MANE Select); coding-DNA position 3835, C replaced by T.
Protein change: p.Arg1279Cys; replaces arginine 1279 with cysteine.
Molecular consequence: missense variant.
Genome position (GRCh38, 1-based): chr15:89,628,616, G>A on the plus strand (C>T on the coding strand, the complement: KIF7 is on the minus strand). VCF-style: chr15-89628616-G-A. GRCh37 (hg19) VCF-style: chr15-90171847-G-A.
Other names: short protein forms R1279C.
Identifiers: ClinVar variation 885252 (VCV000885252.9), dbSNP rs749221779, ClinGen allele CA7727511.